The following is an entry in ClinVar:

ClinVar aggregate classification (germline): Uncertain significance. Review status: criteria provided, multiple submitters, no conflicts (2 of 4 stars). 2 submissions from 2 submitters: Uncertain significance (2). Last evaluated 2023-08-11.

Conditions:
SLC35A2-congenital disorder of glycosylation. Also called: DEVELOPMENTAL AND EPILEPTIC ENCEPHALOPATHY 22; EPILEPTIC ENCEPHALOPATHY, EARLY INFANTILE, 22; SLC35A2-CDG; CONGENITAL DISORDER OF GLYCOSYLATION, TYPE IIm; CDG IIm; CONGENITAL DISORDER OF GLYCOSYLATION, TYPE IIm, SOMATIC MOSAIC. Identifiers: Orphanet 356961, MedGen C3806688, MONDO:0010478, OMIM 300896.
Inborn genetic diseases. Identifiers: MedGen C0950123, MeSH D030342.

Allele frequency attached by ClinVar (database versions not stated): ESP Exome Variant Server 0.00009; ExAC 0.00001.

Submissions (2):

Labcorp Genetics (formerly Invitae), Labcorp
Classification: Uncertain significance for SLC35A2-congenital disorder of glycosylation. Last evaluated: 2023-08-11. Review status: criteria provided, single submitter. Criteria: Invitae Variant Classification Sherloc (09022015). Collection method: clinical testing. Allele origin: germline.
Comment: In summary, the available evidence is currently insufficient to determine the role of this variant in disease. Therefore, it has been classified as a Variant of Uncertain Significance. Advanced modeling of protein sequence and biophysical properties (such as structural, functional, and spatial information, amino acid conservation, physicochemical variation, residue mobility, and thermodynamic stability) has been performed at Invitae for this missense variant, however the output from this modeling did not meet the statistical confidence thresholds required to predict the impact of this variant on SLC35A2 protein function. ClinVar contains an entry for this variant (Variation ID: 2074716). This variant has not been reported in the literature in individuals affected with SLC35A2-related conditions. The frequency data for this variant in the population databases is considered unreliable, as metrics indicate poor data quality at this position in the gnomAD database. This sequence change replaces alanine, which is neutral and non-polar, with serine, which is neutral and polar, at codon 344 of the SLC35A2 protein (p.Ala344Ser).

Ambry Genetics
Classification: Uncertain significance for Inborn genetic diseases. Last evaluated: 2021-09-27. Review status: criteria provided, single submitter. Criteria: Ambry Variant Classification Scheme 2023. Collection method: clinical testing. Allele origin: germline.

NM_005660.3(SLC35A2):c.1030G>T (p.Ala344Ser)

Gene: SLC35A2 (solute carrier family 35 member A2; minus strand). Cytogenetic location: Xp11.23.
Variant type: single nucleotide variant.
Coding change: c.1030G>T on transcript NM_005660.3 (MANE Select); coding-DNA position 1030, G replaced by T.
Protein change: p.Ala344Ser; replaces alanine 344 with serine.
Molecular consequence: missense variant.
Genome position (GRCh38, 1-based): chrX:48,904,879, C>A on the plus strand (G>T on the coding strand, the complement: SLC35A2 is on the minus strand). VCF-style: chrX-48904879-C-A. GRCh37 (hg19) VCF-style: chrX-48762156-C-A.
Other names: c.440G>T, p.Cys147Phe (NM_001032289.3, NM_001282647.2); c.1030G>T, p.Ala344Ser (NM_001042498.3); c.368G>T, p.Cys123Phe (NM_001282648.2); c.847G>T, p.Ala283Ser (NM_001282649.2); c.1069G>T, p.Ala357Ser (NM_001282650.2); c.1114G>T, p.Ala372Ser (NM_001282651.2); short protein forms A283S, A357S, A344S, C147F, A372S, C123F.
Identifiers: ClinVar variation 2074716 (VCV002074716.5), dbSNP rs369861178, ClinGen allele CA10406072.
Genomic context (GRCh38, chrX:48,904,879, plus strand): 5'-GCTGCTGGTGAACGCAGGGCCCGGAGGCGGAGGCAGAGGCAGAGGCTATGGCTTTGGCTG[C>A]ACCTCGGGGAAGGCTGTAGAGGTAGACAGCACCAATGACGAGTCCAGCGCCAAGGGCAAA-3'
Protein context (NP_005651.1, residues 334-354): AVYLYSLPRG[Ala344Ser]AKAIASASAS